The following is an entry in ClinVar:

ClinVar aggregate classification (germline): Conflicting classifications of pathogenicity. Review status: criteria provided, conflicting classifications (1 of 4 stars). 2 submissions from 2 submitters: Uncertain significance (1); Likely benign (1). Last evaluated 2026-01-05.

Conditions:
Hereditary cancer-predisposing syndrome. Also called: Hereditary neoplastic syndrome; Neoplastic Syndromes, Hereditary; Tumor predisposition; Hereditary Cancer Syndrome. Identifiers: Orphanet 140162, MedGen C0027672, MeSH D009386, MONDO:0015356.
EGFR-related lung cancer (EGFR). Identifiers: MedGen CN130014.

Allele frequency attached by ClinVar (database versions not stated): gnomAD exomes below 0.00001 and 0.00003; gnomAD 0.00001; TOPMed 0.00001.
gnomAD v4.1: 43 of 1,614,078 alleles (0.0027%); highest among the groups gnomAD compares: Non-Finnish European, 0.0033%; no homozygotes.

Submissions (2):

Labcorp Genetics (formerly Invitae), Labcorp
Classification: Uncertain significance for EGFR-related lung cancer. Last evaluated: 2026-01-05. Review status: criteria provided, single submitter. Criteria: Invitae Variant Classification Sherloc (09022015). Collection method: clinical testing. Allele origin: germline.
Comment: This sequence change replaces asparagine, which is neutral and polar, with serine, which is neutral and polar, at codon 444 of the EGFR protein (p.Asn444Ser). This variant is present in population databases (no rsID available, gnomAD 0.007%). This variant has not been reported in the literature in individuals affected with EGFR-related conditions. ClinVar contains an entry for this variant (Variation ID: 834635). Invitae Evidence Modeling of protein sequence and biophysical properties (such as structural, functional, and spatial information, amino acid conservation, physicochemical variation, residue mobility, and thermodynamic stability) indicates that this missense variant is not expected to disrupt EGFR protein function with a negative predictive value of 80%. In summary, the available evidence is currently insufficient to determine the role of this variant in disease. Therefore, it has been classified as a Variant of Uncertain Significance.

Ambry Genetics
Classification: Likely benign for Hereditary cancer-predisposing syndrome. Last evaluated: 2024-12-16. Review status: criteria provided, single submitter. Criteria: Ambry Variant Classification Scheme 2023. Collection method: clinical testing. Allele origin: germline.

NM_005228.5(EGFR):c.1331A>G (p.Asn444Ser)

Gene: EGFR (epidermal growth factor receptor; plus strand). Cytogenetic location: 7p11.2.
Variant type: single nucleotide variant.
Coding change: c.1331A>G on transcript NM_005228.5 (MANE Select); coding-DNA position 1331, A replaced by G.
Protein change: p.Asn444Ser; replaces asparagine 444 with serine.
Molecular consequence: missense variant.
Genome position (GRCh38, 1-based): chr7:55,160,171, A>G. VCF-style: chr7-55160171-A-G. GRCh37 (hg19) VCF-style: chr7-55227864-A-G.
Other names: c.1196A>G, p.Asn399Ser (NM_001346897.2, NM_001346899.2); c.1331A>G, p.Asn444Ser (NM_001346898.2, NM_201282.2, NM_201284.2); c.1172A>G, p.Asn391Ser (NM_001346900.2); c.530A>G, p.Asn177Ser (NM_001346941.2); short protein forms N177S, N399S, N444S, N391S.
Identifiers: ClinVar variation 834635 (VCV000834635.7), dbSNP rs1032006770, ClinGen allele CA158917066.
Genomic context (GRCh38, chr7:55,160,171, plus strand): 5'-CACATGATTTTTCTTCTCTCCAATGTAGTGGTCAGTTTTCTCTTGCAGTCGTCAGCCTGA[A>G]CATAACATCCTTGGGATTACGCTCCCTCAAGGAGATAAGTGATGGAGATGTGATAATTTC-3'
Protein context (NP_005219.2, residues 434-454): GQFSLAVVSL[Asn444Ser]ITSLGLRSLK